The following is an entry in ClinVar:

NM_198578.4(LRRK2):c.4324G>C (p.Ala1442Pro)

Gene: LRRK2 (leucine rich repeat kinase 2; plus strand). Cytogenetic location: 12q12.
Variant type: single nucleotide variant.
Coding change: c.4324G>C on transcript NM_198578.4 (MANE Select); coding-DNA position 4324, G replaced by C.
Protein change: p.Ala1442Pro; replaces alanine 1442 with proline.
Molecular consequence: missense variant.
Genome position (GRCh38, 1-based): chr12:40,310,437, G>C. VCF-style: chr12-40310437-G-C. GRCh37 (hg19) VCF-style: chr12-40704239-G-C.
Other names: short protein forms A1442P.
Identifiers: ClinVar variation 39185 (VCV000039185.5), dbSNP rs281865048, ClinGen allele CA343581.

ClinVar aggregate classification (germline): Uncertain significance. Review status: criteria provided, single submitter (1 of 4 stars). 2 submissions from 2 submitters: Uncertain significance (1). 1 of the submissions does not count toward it. Last evaluated 2024-10-08.

Conditions:
Autosomal dominant Parkinson disease 8. Also called: LRRK2-Related Parkinson Disease; Parkinson disease 8; Parkinson disease 8, susceptibility to. Identifiers: Orphanet 411602, MedGen C1846862, MONDO:0011764, OMIM 607060.

Submissions (2):

Labcorp Genetics (formerly Invitae), Labcorp
Classification: Uncertain significance for Autosomal dominant Parkinson disease 8. Last evaluated: 2024-10-08. Review status: criteria provided, single submitter. Criteria: Invitae Variant Classification Sherloc (09022015). Collection method: clinical testing. Allele origin: germline.
Comment: This sequence change replaces alanine, which is neutral and non-polar, with proline, which is neutral and non-polar, at codon 1442 of the LRRK2 protein (p.Ala1442Pro). This variant is not present in population databases (gnomAD no frequency). This missense change has been observed in individual(s) with Parkinson disease (PMID: 17427941, 22243833). ClinVar contains an entry for this variant (Variation ID: 39185). Invitae Evidence Modeling of protein sequence and biophysical properties (such as structural, functional, and spatial information, amino acid conservation, physicochemical variation, residue mobility, and thermodynamic stability) has been performed for this missense variant. However, the output from this modeling did not meet the statistical confidence thresholds required to predict the impact of this variant on LRRK2 protein function. Experimental studies have shown that this missense change affects LRRK2 function (PMID: 20642453, 24375786, 25009464, 35950872). In summary, the available evidence is currently insufficient to determine the role of this variant in disease. Therefore, it has been classified as a Variant of Uncertain Significance.

GeneReviews
No classification provided. Condition: Autosomal dominant Parkinson disease 8. Review status: no classification provided. Collection method: literature only. Allele origin: unknown. Not counted in ClinVar's aggregate classification.

Literature cited by the submitters: PubMed 17427941 (cited by Labcorp Genetics (formerly Invitae), Labcorp); PubMed 22243833 (cited by Labcorp Genetics (formerly Invitae), Labcorp); PubMed 20642453 (cited by Labcorp Genetics (formerly Invitae), Labcorp); PubMed 24375786 (cited by Labcorp Genetics (formerly Invitae), Labcorp); PubMed 25009464 (cited by Labcorp Genetics (formerly Invitae), Labcorp); PubMed 35950872 (cited by Labcorp Genetics (formerly Invitae), Labcorp); PubMed 20301387 (cited by GeneReviews); NCBI Bookshelf NBK1208 (cited by GeneReviews).